The following is an entry in ClinVar:

ClinVar aggregate classification (germline): Conflicting classifications of pathogenicity. Review status: criteria provided, conflicting classifications (1 of 4 stars). 5 submissions from 5 submitters: Uncertain significance (4); Likely benign (1). Last evaluated 2024-09-20.

Conditions:
Joubert syndrome 24 (JBTS24). Identifiers: Orphanet 475, MedGen C4084841, MONDO:0014724, OMIM 616654.
Meckel syndrome, type 8. Identifiers: Orphanet 564, MedGen C3836857, MONDO:0013482, OMIM 613885.
Inborn genetic diseases. Identifiers: MedGen C0950123, MeSH D030342.
Joubert syndrome. Also called: CEREBELLOPARENCHYMAL DISORDER IV; JOUBERT-BOLTSHAUSER SYNDROME; Familial aplasia of the vermis. Identifiers: Orphanet 475, MedGen C5979921, MONDO:0018772.
Meckel-Gruber syndrome. Also called: DYSENCEPHALIA SPLANCHNOCYSTICA; GRUBER SYNDROME; Dysencephalia splachnocystica. Identifiers: Orphanet 564, MedGen C0265215, MONDO:0018921.

Allele frequency attached by ClinVar (database versions not stated): gnomAD 0.00003; gnomAD exomes 0.00003; ExAC 0.00007; TOPMed 0.00013; ESP Exome Variant Server 0.00023.
gnomAD v4.1: 52 of 1,614,182 alleles (0.0032%); highest among the groups gnomAD compares: Middle Eastern, 0.016%; no homozygotes.

Submissions (5):

3billion
Classification: Likely benign for Meckel syndrome, type 8; Joubert syndrome 24. Last evaluated: 2024-09-20. Review status: criteria provided, single submitter. Criteria: ACMG Guidelines, 2015. Collection method: clinical testing. Allele origin: germline. Affected: no.
Comment: The homozygous variant was found in patients diagnosed with another variant in a different gene, with no symptoms related to the gene containing the homozygous variant.

Fulgent Genetics
Classification: Uncertain significance for Meckel syndrome, type 8; Joubert syndrome 24. Last evaluated: 2024-06-13. Review status: criteria provided, single submitter. Criteria: ACMG Guidelines, 2015. Collection method: clinical testing. Allele origin: germline.

Labcorp Genetics (formerly Invitae), Labcorp
Classification: Uncertain significance for Joubert syndrome; Meckel-Gruber syndrome. Last evaluated: 2024-01-24. Review status: criteria provided, single submitter. Criteria: Invitae Variant Classification Sherloc (09022015). Collection method: clinical testing. Allele origin: germline.
Comment: This sequence change replaces valine, which is neutral and non-polar, with leucine, which is neutral and non-polar, at codon 91 of the TCTN2 protein (p.Val91Leu). This variant is present in population databases (rs371662397, gnomAD 0.006%). This variant has not been reported in the literature in individuals affected with TCTN2-related conditions. ClinVar contains an entry for this variant (Variation ID: 1199799). Advanced modeling of protein sequence and biophysical properties (such as structural, functional, and spatial information, amino acid conservation, physicochemical variation, residue mobility, and thermodynamic stability) performed at Invitae indicates that this missense variant is not expected to disrupt TCTN2 protein function with a negative predictive value of 80%. In summary, the available evidence is currently insufficient to determine the role of this variant in disease. Therefore, it has been classified as a Variant of Uncertain Significance.

Ambry Genetics
Classification: Uncertain significance for Inborn genetic diseases. Last evaluated: 2023-11-29. Review status: criteria provided, single submitter. Criteria: Ambry Variant Classification Scheme 2023. Collection method: clinical testing. Allele origin: germline.

GeneDx
Classification: Uncertain significance. Last evaluated: 2019-04-17. Review status: criteria provided, single submitter. Criteria: GeneDx Variant Classification Process June 2021. Collection method: clinical testing. Allele origin: germline. Affected: yes.
Comment: Not observed at a significant frequency in large population cohorts (Lek et al., 2016); In silico analysis, which includes protein predictors and evolutionary conservation, supports that this variant does not alter protein structure/function; Has not been previously published as pathogenic or benign to our knowledge

NM_024809.5(TCTN2):c.271G>T (p.Val91Leu)

Gene: TCTN2 (tectonic family member 2; plus strand). Cytogenetic location: 12q24.31.
Variant type: single nucleotide variant.
Coding change: c.271G>T on transcript NM_024809.5 (MANE Select); coding-DNA position 271, G replaced by T.
Protein change: p.Val91Leu; replaces valine 91 with leucine.
Molecular consequence: missense variant.
Genome position (GRCh38, 1-based): chr12:123,673,618, G>T. VCF-style: chr12-123673618-G-T. GRCh37 (hg19) VCF-style: chr12-124158165-G-T.
Other names: c.268G>T, p.Val90Leu (NM_001143850.3); c.271G>T (NM_024809.3); short protein forms V90L, V91L.
Identifiers: ClinVar variation 1199799 (VCV001199799.10), dbSNP rs371662397, ClinGen allele CA6860856.
Genomic context (GRCh38, chr12:123,673,618, plus strand): 5'-ATTCTTATAGACCCTGTTTTGAGTCACTTTAAAAATACAGCAATGTTTTCCTTTCAGAAG[G>T]TGTTGGAAGTGACAGTGAGGTGGAAGAGAGGTCTGGACTGGTGTTCCTCCAATGAGACAG-3'
Protein context (NP_079085.2, residues 81-101): WSVTVIPGAK[Val91Leu]LEVTVRWKRG